The following is an entry in ClinVar:

ClinVar aggregate classification (germline): Uncertain significance. Review status: criteria provided, multiple submitters, no conflicts (2 of 4 stars). 2 submissions from 2 submitters: Uncertain significance (2). Last evaluated 2022-06-21.

gnomAD v4.1: 23 of 1,614,190 alleles (0.0014%); highest among the groups gnomAD compares: Non-Finnish European, 0.0016%; no homozygotes.

Submissions (2):

Labcorp Genetics (formerly Invitae), Labcorp
Classification: Uncertain significance. Last evaluated: 2022-06-21. Review status: criteria provided, single submitter. Criteria: Invitae Variant Classification Sherloc (09022015). Collection method: clinical testing. Allele origin: germline.
Comment: This variant has not been reported in the literature in individuals affected with PCARE-related conditions. This sequence change replaces alanine, which is neutral and non-polar, with threonine, which is neutral and polar, at codon 53 of the PCARE protein (p.Ala53Thr). This variant is present in population databases (no rsID available, gnomAD 0.0009%). Algorithms developed to predict the effect of missense changes on protein structure and function output the following: SIFT: "Tolerated"; PolyPhen-2: "Benign"; Align-GVGD: "Class C0". The threonine amino acid residue is found in multiple mammalian species, which suggests that this missense change does not adversely affect protein function. In summary, the available evidence is currently insufficient to determine the role of this variant in disease. Therefore, it has been classified as a Variant of Uncertain Significance.

Blueprint Genetics
Classification: Uncertain significance. Last evaluated: 2021-10-21. Review status: criteria provided, single submitter. Criteria: ACMG Guidelines, 2015. Collection method: clinical testing. Allele origin: germline.

NM_001029883.3(PCARE):c.157G>A (p.Ala53Thr)

Gene: PCARE (photoreceptor cilium actin regulator; minus strand). Cytogenetic location: 2p23.2.
Variant type: single nucleotide variant.
Coding change: c.157G>A on transcript NM_001029883.3 (MANE Select); coding-DNA position 157, G replaced by A.
Protein change: p.Ala53Thr; replaces alanine 53 with threonine.
Molecular consequence: missense variant.
Genome position (GRCh38, 1-based): chr2:29,074,105, C>T on the plus strand (G>A on the coding strand, the complement: PCARE is on the minus strand). VCF-style: chr2-29074105-C-T. GRCh37 (hg19) VCF-style: chr2-29296971-C-T.
Other names: short protein forms A53T.
Identifiers: ClinVar variation 2140052 (VCV002140052.5), dbSNP rs763595029, ClinGen allele CA346482915.
Genomic context (GRCh38, chr2:29,074,105, plus strand): 5'-CTTTAGCTGTGGTTTGGTTCCTCCTGGGACTTGGCTGCTCCTCTGCCAGGCCCTCCCCAG[C>T]GTCATAGCAGGTGGAGTTTTTAACCAGCAAAGGGATGGAACCTCTTTCACTTCCGCCCTG-3'
Protein context (NP_001025054.1, residues 43-63): LLVKNSTCYD[Ala53Thr]GEGLAEEQPS